The following is an entry in ClinVar:

NM_002439.5(MSH3):c.2022A>C (p.Glu674Asp)

Gene: MSH3 (mutS homolog 3; plus strand). Cytogenetic location: 5q14.1.
Variant type: single nucleotide variant.
Coding change: c.2022A>C on transcript NM_002439.5 (MANE Select); coding-DNA position 2022, A replaced by C.
Protein change: p.Glu674Asp; replaces glutamic acid 674 with aspartic acid.
Molecular consequence: missense variant.
Genome position (GRCh38, 1-based): chr5:80,768,058, A>C. VCF-style: chr5-80768058-A-C. GRCh37 (hg19) VCF-style: chr5-80063877-A-C.
Other names: c.2022A>C (NM_002439.4); short protein forms E674D.
Identifiers: ClinVar variation 1784573 (VCV001784573.3), dbSNP rs1361846876, ClinGen allele CA360277780.
Genomic context (GRCh38, chr5:80,768,058, plus strand): 5'-AATAATACCTGCTGTTAATTCCCACATTCAGTCAGACTTGCTCCGGACCGTTATTTTAGA[A>C]ATTCCTGAACTCCTCAGTCCAGTGGAGCATTACTTAAAGATACTCAATGAACAAGCTGCC-3'
Protein context (NP_002430.3, residues 664-684): QSDLLRTVIL[Glu674Asp]IPELLSPVEH

ClinVar aggregate classification (germline): Uncertain significance. Review status: criteria provided, multiple submitters, no conflicts (2 of 4 stars). 2 submissions from 2 submitters: Uncertain significance (2). Last evaluated 2025-10-22.

Conditions:
Hereditary cancer-predisposing syndrome. Also called: Neoplastic Syndromes, Hereditary; Tumor predisposition; Hereditary Cancer Syndrome; Hereditary neoplastic syndrome. Identifiers: Orphanet 140162, MedGen C0027672, MeSH D009386, MONDO:0015356.

Allele frequency attached by ClinVar (database versions not stated): gnomAD exomes below 0.00001.
gnomAD v4.1: 1 of 1,613,804 alleles (0.000062%); highest among the groups gnomAD compares: Admixed American, 0.0017%; no homozygotes.

Submissions (2):

Quest Diagnostics Nichols Institute San Juan Capistrano
Classification: Uncertain significance. Last evaluated: 2025-10-22. Review status: criteria provided, single submitter. Criteria: Quest Diagnostics criteria. Collection method: clinical testing. Allele origin: unknown.
Comment: The MSH3 c.2022A>C (p.Glu674Asp) variant has not been reported in individuals with MSH3-related conditions in the published literature. The frequency of this variant in the general population (Genome Aggregation Database) is uninformative in the assessment of its pathogenicity. Analysis of this variant using bioinformatics tools for the prediction of the effect of amino acid changes on protein structure and function yielded predictions that this variant is benign. Based on the available information, we are unable to determine the clinical significance of this variant.

Ambry Genetics
Classification: Uncertain significance for Hereditary cancer-predisposing syndrome. Last evaluated: 2022-12-21. Review status: criteria provided, single submitter. Criteria: Ambry Variant Classification Scheme 2023. Collection method: clinical testing. Allele origin: germline.